The following is an entry in ClinVar:

ClinVar aggregate classification (germline): Uncertain significance. Review status: criteria provided, multiple submitters, no conflicts (2 of 4 stars). 5 submissions from 5 submitters: Uncertain significance (5). Last evaluated 2026-04-01.

Conditions:
Dilated cardiomyopathy 1J (CMD1J). Also called: CARDIOMYOPATHY, DILATED, WITH SENSORINEURAL HEARING LOSS, AUTOSOMAL DOMINANT. Identifiers: Orphanet 217622, MedGen C1854368, MONDO:0011541, OMIM 605362.
EYA4-related disorder. Also called: EYA4-related disorders; EYA4-related condition. Identifiers: MedGen CN239388.
Cardiovascular phenotype. Identifiers: MedGen CN230736.

Allele frequency attached by ClinVar (database versions not stated): gnomAD 0.00001; gnomAD exomes 0.00002; ExAC 0.00001; TOPMed 0.00002.
gnomAD v4.1: 26 of 1,612,870 alleles (0.0016%); highest among the groups gnomAD compares: Admixed American, 0.0033%; no homozygotes.

Submissions (5):

GeneDx
Classification: Uncertain significance. Last evaluated: 2026-04-01. Review status: criteria provided, single submitter. Criteria: GeneDx Variant Classification Process June 2021. Collection method: clinical testing. Allele origin: germline.
Comment: Not observed at significant frequency in large population cohorts (gnomAD); In silico analysis suggests that this missense variant does not alter protein structure/function; Has not been previously published as pathogenic or benign to our knowledge

PreventionGenetics, part of Exact Sciences
Classification: Uncertain significance for EYA4-related condition. Last evaluated: 2026-03-25. Review status: criteria provided, single submitter. Criteria: ACMG Guidelines, 2015. Collection method: clinical testing. Allele origin: germline.
Comment: The EYA4 c.901G>A variant is predicted to result in the amino acid substitution p.Asp301Asn. To our knowledge, this variant has not been reported in the literature. This variant is reported in 0.0050% of alleles in individuals of East Asian descent in gnomAD. At this time, the clinical significance of this variant is uncertain due to the absence of conclusive functional and genetic evidence.

Labcorp Genetics (formerly Invitae), Labcorp
Classification: Uncertain significance for Dilated cardiomyopathy 1J. Last evaluated: 2025-12-21. Review status: criteria provided, single submitter. Criteria: Invitae Variant Classification Sherloc (09022015). Collection method: clinical testing. Allele origin: germline.
Comment: This sequence change replaces aspartic acid, which is acidic and polar, with asparagine, which is neutral and polar, at codon 301 of the EYA4 protein (p.Asp301Asn). This variant is present in population databases (rs779172192, gnomAD 0.005%). This variant has not been reported in the literature in individuals affected with EYA4-related conditions. ClinVar contains an entry for this variant (Variation ID: 517314). Invitae Evidence Modeling of protein sequence and biophysical properties (such as structural, functional, and spatial information, amino acid conservation, physicochemical variation, residue mobility, and thermodynamic stability) indicates that this missense variant is not expected to disrupt EYA4 protein function with a negative predictive value of 80%. In summary, the available evidence is currently insufficient to determine the role of this variant in disease. Therefore, it has been classified as a Variant of Uncertain Significance.

Ambry Genetics
Classification: Uncertain significance for Cardiovascular phenotype. Last evaluated: 2023-04-20. Review status: criteria provided, single submitter. Criteria: Ambry Variant Classification Scheme 2023. Collection method: clinical testing. Allele origin: germline.
Comment: The p.D301N variant (also known as c.901G>A), located in coding exon 10 of the EYA4 gene, results from a G to A substitution at nucleotide position 901. The aspartic acid at codon 301 is replaced by asparagine, an amino acid with highly similar properties. This amino acid position is highly conserved in available vertebrate species. In addition, this alteration is predicted to be tolerated by in silico analysis. Since supporting evidence is limited at this time, the clinical significance of this alteration remains unclear.

Laboratory for Molecular Medicine, Mass General Brigham Personalized Medicine
Classification: Uncertain significance. Last evaluated: 2017-03-16. Review status: criteria provided, single submitter. Criteria: LMM Criteria. Collection method: clinical testing. Allele origin: germline. Observed: 1 variant allele.
Comment: The p.Asp301Asn variant in EYA4 has not been previously reported in individuals with hearing loss, but has been identified in 5/126018 European chromosomes by t he Genome Aggregation Database (gnomAD; dbSNP rs779172192). Although this variant has been seen in the general population, its frequency is not high enough to rule out a pathogenic role. Computational predi ction tools and conservation analysis do not provide strong support for or again st an impact to the protein. In summary, the clinical significance of the p.Asp3 01Asn variant is uncertain.

NM_004100.5(EYA4):c.901G>A (p.Asp301Asn)

Gene: EYA4 (EYA transcriptional coactivator and phosphatase 4; plus strand). Cytogenetic location: 6q23.2.
Variant type: single nucleotide variant.
Coding change: c.901G>A on transcript NM_004100.5 (MANE Select); coding-DNA position 901, G replaced by A.
Protein change: p.Asp301Asn; replaces aspartic acid 301 with asparagine.
Molecular consequence: missense variant.
Genome position (GRCh38, 1-based): chr6:133,468,662, G>A. VCF-style: chr6-133468662-G-A. GRCh37 (hg19) VCF-style: chr6-133789800-G-A.
Other names: c.739G>A, p.Asp247Asn (NM_001301012.2, NM_001370459.1); c.901G>A, p.Asp301Asn (NM_001301013.2, NM_172105.4); c.832G>A, p.Asp278Asn (NM_001370458.1, NM_172103.4); short protein forms D301N, D247N, D278N.
Identifiers: ClinVar variation 517314 (VCV000517314.11), dbSNP rs779172192, ClinGen allele CA4008186.